The following is an entry in ClinVar:

ClinVar aggregate classification (germline): Uncertain significance (1 of 4 stars; one submission).

gnomAD v4.1: 1 of 1,612,758 alleles (0.000062%); highest among the groups gnomAD compares: Non-Finnish European, 0.000085%; no homozygotes.

Submission:

GeneDx
Classification: Uncertain significance. Last evaluated: 2024-08-13. Review status: criteria provided, single submitter. Criteria: GeneDx Variant Classification Process June 2021. Collection method: clinical testing. Allele origin: germline. Affected: yes.
Comment: Not observed at significant frequency in large population cohorts (gnomAD); In silico analysis supports that this missense variant has a deleterious effect on protein structure/function; Has not been previously published as pathogenic or benign to our knowledge

NM_032108.4(SEMA6B):c.1294G>A (p.Val432Met)

Gene: SEMA6B (semaphorin 6B; minus strand). Cytogenetic location: 19p13.3.
Variant type: single nucleotide variant.
Coding change: c.1294G>A on transcript NM_032108.4 (MANE Select); coding-DNA position 1294, G replaced by A.
Protein change: p.Val432Met; replaces valine 432 with methionine.
Molecular consequence: missense variant.
Genome position (GRCh38, 1-based): chr19:4,548,423, C>T on the plus strand (G>A on the coding strand, the complement: SEMA6B is on the minus strand). VCF-style: chr19-4548423-C-T. GRCh37 (hg19) VCF-style: chr19-4548435-C-T.
Other names: short protein forms V432M.
Identifiers: ClinVar variation 3731084 (VCV003731084.1).